The following is an entry in ClinVar:

ClinVar aggregate classification (germline): Likely pathogenic. Review status: criteria provided, multiple submitters, no conflicts (2 of 4 stars). 2 submissions from 2 submitters: Likely pathogenic (2). Last evaluated 2025-11-26.

Conditions:
TRIM37-related disorder. Also called: TRIM37-related condition.
Mulibrey nanism syndrome. Also called: MUSCLE-LIVER-BRAIN-EYE NANISM; PERHEENTUPA SYNDROME; PERICARDIAL CONSTRICTION AND GROWTH FAILURE. Identifiers: Orphanet 2576, MedGen C0524582, MONDO:0009664, OMIM 253250.

Allele frequency attached by ClinVar (database versions not stated): gnomAD exomes 0.00001.
gnomAD v4.1: 4 of 1,613,624 alleles (0.00025%); highest among the groups gnomAD compares: Middle Eastern, 0.066%; no homozygotes.

Submissions (2):

PreventionGenetics, part of Exact Sciences
Classification: Likely pathogenic for TRIM37-related condition. Last evaluated: 2025-11-26. Review status: criteria provided, single submitter. Criteria: ACMG Guidelines, 2015. Collection method: clinical testing. Allele origin: germline.
Comment: The TRIM37 c.1048C>T variant is predicted to result in premature protein termination (p.Gln350*). To our knowledge, this variant has not been reported in the literature or in a large population database (gnomAD), indicating this variant is rare. Nonsense variants in TRIM37 are expected to be pathogenic. This variant is interpreted as likely pathogenic.

Revvity Omics, Revvity
Classification: Likely pathogenic for Mulibrey nanism syndrome. Last evaluated: 2022-05-10. Review status: criteria provided, single submitter. Criteria: ACMG Guidelines, 2015. Collection method: clinical testing. Allele origin: germline.

NM_015294.6(TRIM37):c.1048C>T (p.Gln350Ter)

Gene: TRIM37 (tripartite motif containing 37; minus strand). Cytogenetic location: 17q22.
Variant type: single nucleotide variant.
Coding change: c.1048C>T on transcript NM_015294.6 (MANE Select); coding-DNA position 1048, C replaced by T.
Protein change: p.Gln350Ter; replaces glutamine 350 with a stop codon.
Molecular consequence: nonsense. On other transcripts: non-coding transcript variant (2).
Genome position (GRCh38, 1-based): chr17:59,057,026, G>A on the plus strand (C>T on the coding strand, the complement: TRIM37 is on the minus strand). VCF-style: chr17-59057026-G-A. GRCh37 (hg19) VCF-style: chr17-57134387-G-A.
Other names: c.1048C>T, p.Gln350Ter (NM_001005207.5, NM_001320988.3, NM_001320989.3 and 1 more transcripts); c.946C>T, p.Gln316Ter (NM_001320987.3, NM_001353082.2); c.682C>T, p.Gln228Ter (NM_001320990.3); c.313C>T, p.Gln105Ter (NM_001353083.2); c.586C>T, p.Gln196Ter (NM_001353085.2); c.997C>T, p.Gln333Ter (NM_001353086.2); c.1048C>T (NM_015294.4); short protein forms Q105*, Q196*, Q228*, Q316*, Q333*, Q350*.
Identifiers: ClinVar variation 2434254 (VCV002434254.4), dbSNP rs2545739504, ClinGen allele CA400403732.